The following is an entry in ClinVar:

ClinVar aggregate classification (germline): Likely pathogenic (1 of 4 stars; one submission).

Conditions:
Intellectual developmental disorder with microcephaly and with or without ocular malformations or hypogonadotropic hypogonadism. Also called: Intellectual disability, autosomal dominant 27; Coffin-Siris Syndrome 9. Identifiers: Orphanet 1465, MedGen C4014528, MONDO:0014376, OMIM 615866.

Submission:

Institute of Human Genetics, University of Leipzig Medical Center
Classification: Likely pathogenic for Intellectual developmental disorder with microcephaly and with or without ocular malformations or hypogonadotropic hypogonadism. Last evaluated: 2026-07-09. Review status: criteria provided, single submitter. Criteria: ACMG Guidelines, 2015. Collection method: clinical testing. Allele origin: unknown. Inheritance: Autosomal dominant inheritance. Affected: yes.
Comment: Criteria applied: PM1,PM2,PP2,PP3

NM_003108.4(SOX11):c.220A>G (p.Met74Val)

Gene: SOX11 (SRY-box transcription factor 11; plus strand). Cytogenetic location: 2p25.2.
Variant type: single nucleotide variant.
Coding change: c.220A>G on transcript NM_003108.4 (MANE Select); coding-DNA position 220, A replaced by G.
Protein change: p.Met74Val; replaces methionine 74 with valine.
Molecular consequence: missense variant.
Genome position (GRCh38, 1-based): chr2:5,692,941, A>G. VCF-style: chr2-5692941-A-G. GRCh37 (hg19) VCF-style: chr2-5833073-A-G.
Other names: short protein forms M74V.
Identifiers: ClinVar variation 4879420 (VCV004879420.1).